The following is an entry in ClinVar:

ClinVar aggregate classification (germline): Uncertain significance (1 of 4 stars; one submission).

Submission:

Institute for Human Genetics, University Hospital Essen
Classification: Uncertain significance. Last evaluated: 2025-11-27. Review status: criteria provided, single submitter. Criteria: Submitter's publication. Collection method: clinical testing. Allele origin: inherited. Inheritance: Autosomal unknown. Affected: yes. Observed: 2 variant alleles, 2 compound heterozygotes.
Comment: PM1_supp (criteria rationale detailed in Leitão et al. Nature Genetics 2026)

NR_199791.1(RNU2-2):n.80A>G

Genes: RNU2-2 (RNA, U2 small nuclear 2; minus strand), WDR74 (WD repeat domain 74; minus strand). Cytogenetic location: 11q12.3.
Variant type: single nucleotide variant.
Molecular consequence: non-coding transcript variant (on NR_199791.1). On other transcripts: 5 prime UTR variant (1).
Genome position: GRCh38 VCF-style: chr11-62841730-T-C. GRCh37 (hg19) VCF-style: chr11-62609202-T-C.
Other names: c.-459A>G (NM_001369451.1).
Identifiers: ClinVar variation 4540495 (VCV004540495.1).